The following is an entry in ClinVar:

NM_000260.4(MYO7A):c.5420_5421dup (p.Pro1808fs)

Gene: MYO7A (myosin VIIA; plus strand). Cytogenetic location: 11q13.5.
Variant type: Duplication.
Coding change: c.5420_5421dup on transcript NM_000260.4 (MANE Select); coding-DNA positions 5420 to 5421, 2 bases duplicated (AG; older notation c.5420_5421dupAG).
Protein change: p.Pro1808fs; shifts the reading frame from proline 1808.
Molecular consequence: frameshift variant.
Genome position (GRCh38, 1-based): chr11:77,204,169-77,204,170, AG duplicated; duplicating any 2 consecutive bases within chr11:77,204,168-77,204,170 gives the same sequence; the c. name uses the placement nearest the transcript's 3' end. VCF-style (leftmost placement, unchanged base first): chr11-77204167-C-CGA. GRCh37 (hg19) VCF-style: chr11-76915212-C-CGA.
Other names: c.5306_5307dup, p.Pro1770fs (NM_001127180.2); c.5273_5274dup, p.Pro1759fs (NM_001369365.1); short protein forms P1759fs, P1770fs, P1808fs.
Identifiers: ClinVar variation 817194 (VCV000817194.6), dbSNP rs1591479405, ClinGen allele CA915948760.

ClinVar aggregate classification (germline): Pathogenic/Likely pathogenic. Review status: criteria provided, multiple submitters, no conflicts (2 of 4 stars). 3 submissions from 3 submitters: Pathogenic (2); Likely pathogenic (1). Last evaluated 2022-09-22.

Conditions:
MYO7A-related disorder. Also called: MYO7A-related disorders.

Submissions (3):

Labcorp Genetics (formerly Invitae), Labcorp
Classification: Pathogenic. Last evaluated: 2022-09-22. Review status: criteria provided, single submitter. Criteria: Invitae Variant Classification Sherloc (09022015). Collection method: clinical testing. Allele origin: germline.
Comment: ClinVar contains an entry for this variant (Variation ID: 817194). This variant has not been reported in the literature in individuals affected with MYO7A-related conditions. This variant is not present in population databases (gnomAD no frequency). This sequence change creates a premature translational stop signal (p.Pro1808Serfs*3) in the MYO7A gene. It is expected to result in an absent or disrupted protein product. Loss-of-function variants in MYO7A are known to be pathogenic (PMID: 8900236, 25404053). For these reasons, this variant has been classified as Pathogenic.

Blueprint Genetics
Classification: Likely pathogenic for MYO7A-related disorders. Last evaluated: 2019-10-07. Review status: criteria provided, single submitter. Criteria: ACMG Guidelines, 2015. Collection method: clinical testing. Allele origin: germline. Affected: yes. Observed: 1 variant allele.

GeneDx
Classification: Pathogenic. Last evaluated: 2018-09-12. Review status: criteria provided, single submitter. Criteria: GeneDx Variant Classification (06012015). Collection method: clinical testing. Allele origin: germline. Affected: yes.
Comment: The c.5420_5421dupAG variant has not been published as a pathogenic variant, nor has it been reported as a benign variant to our knowledge. The variant is not observed in large population cohorts (Lek et al., 2016). It causes a frameshift starting with codon Proline 1808, changes this amino acid to a Serine residue and creates a premature Stop codon at position 3 of the new reading frame, denoted p.Pro1808SerfsX3. This variant is predicted to cause loss of normal protein function either through protein truncation or nonsense-mediated mRNA decay. We consider this variant to be pathogenic.

Literature cited by the submitters: PubMed 8900236 (cited by Labcorp Genetics (formerly Invitae), Labcorp); PubMed 25404053 (cited by Labcorp Genetics (formerly Invitae), Labcorp).